The following is an entry in ClinVar:

ClinVar aggregate classification (germline): Uncertain significance (1 of 4 stars; one submission).

Conditions:
Arrhythmogenic cardiomyopathy with wooly hair and keratoderma. Also called: PALMOPLANTAR KERATODERMA WITH LEFT VENTRICULAR CARDIOMYOPATHY AND WOOLLY HAIR; Carvajal syndrome; Dilated cardiomyopathy with woolly hair and keratoderma; Arrhythmogenic cardiomyopathy with woolly hair and keratoderma. Identifiers: Orphanet 65282, MedGen C1854063, MONDO:0011581, OMIM 605676.
Arrhythmogenic right ventricular dysplasia 8 (ARVD8). Also called: Arrhythmogenic Right Ventricular Dysplasia/Cardiomyopathy 8; ARRHYTHMOGENIC RIGHT VENTRICULAR DYSPLASIA, FAMILIAL, 8; ARRHYTHMOGENIC RIGHT VENTRICULAR CARDIOMYOPATHY 8. Identifiers: MedGen C1843896, MONDO:0011831, OMIM 607450.

Submission:

Labcorp Genetics (formerly Invitae), Labcorp
Classification: Uncertain significance for Arrhythmogenic cardiomyopathy with wooly hair and keratoderma; Arrhythmogenic right ventricular dysplasia 8. Last evaluated: 2023-06-15. Review status: criteria provided, single submitter. Criteria: Invitae Variant Classification Sherloc (09022015). Collection method: clinical testing. Allele origin: germline.
Comment: This sequence change replaces alanine, which is neutral and non-polar, with glycine, which is neutral and non-polar, at codon 2722 of the DSP protein (p.Ala2722Gly). This variant is not present in population databases (gnomAD no frequency). This variant has not been reported in the literature in individuals affected with DSP-related conditions. An algorithm developed to predict the effect of missense changes on protein structure and function (PolyPhen-2) suggests that this variant is likely to be disruptive. In summary, the available evidence is currently insufficient to determine the role of this variant in disease. Therefore, it has been classified as a Variant of Uncertain Significance.

NM_004415.4(DSP):c.8165C>G (p.Ala2722Gly)

Gene: DSP (desmoplakin; plus strand). Cytogenetic location: 6p24.3.
Variant type: single nucleotide variant.
Coding change: c.8165C>G on transcript NM_004415.4 (MANE Select); coding-DNA position 8165, C replaced by G.
Protein change: p.Ala2722Gly; replaces alanine 2722 with glycine.
Molecular consequence: missense variant.
Genome position (GRCh38, 1-based): chr6:7,585,427, C>G. VCF-style: chr6-7585427-C-G. GRCh37 (hg19) VCF-style: chr6-7585660-C-G.
Other names: c.6368C>G, p.Ala2123Gly (NM_001008844.3); c.6836C>G, p.Ala2279Gly (NM_001319034.2); short protein forms A2279G, A2722G, A2123G.
Identifiers: ClinVar variation 2940517 (VCV002940517.3), dbSNP rs2533949922, ClinGen allele CA362694584.